The following is an entry in ClinVar:

NM_025137.4(SPG11):c.2365A>G (p.Thr789Ala)

Gene: SPG11 (SPG11 vesicle trafficking associated, spatacsin; minus strand). Cytogenetic location: 15q21.1.
Variant type: single nucleotide variant.
Coding change: c.2365A>G on transcript NM_025137.4 (MANE Select); coding-DNA position 2365, A replaced by G.
Protein change: p.Thr789Ala; replaces threonine 789 with alanine.
Molecular consequence: missense variant.
Genome position (GRCh38, 1-based): chr15:44,622,299, T>C on the plus strand (A>G on the coding strand, the complement: SPG11 is on the minus strand). VCF-style: chr15-44622299-T-C. GRCh37 (hg19) VCF-style: chr15-44914497-T-C.
Other names: c.2365A>G, p.Thr789Ala (NM_001160227.2, NM_001411132.1); short protein forms T789A.
Identifiers: ClinVar variation 1790205 (VCV001790205.2), dbSNP rs2505558345, ClinGen allele CA392231994.
Genomic context (GRCh38, chr15:44,622,299, plus strand): 5'-GCATATTTTCTTGGAAATGTCCCAAATAAAGCTTCTCAACTTGATGCACGAAGTCTATAG[T>C]TCTTTTCTCTTTTTCAGAAAAATAATTTTTTTCTTTTAAAATTTCAACCTTGAATAAAAA-3'
Protein context (NP_079413.3, residues 779-799): KNYFSEKEKR[Thr789Ala]IDFVHQVEKL

ClinVar aggregate classification (germline): Uncertain significance (1 of 4 stars; one submission).

Conditions:
Inborn genetic diseases. Identifiers: MedGen C0950123, MeSH D030342.

Submission:

Ambry Genetics
Classification: Uncertain significance for Inborn genetic diseases. Last evaluated: 2022-01-15. Review status: criteria provided, single submitter. Criteria: Ambry Variant Classification Scheme 2023. Collection method: clinical testing. Allele origin: germline.
Comment: The p.T789A variant (also known as c.2365A>G), located in coding exon 13 of the SPG11 gene, results from an A to G substitution at nucleotide position 2365. The threonine at codon 789 is replaced by alanine, an amino acid with similar properties. This amino acid position is conserved. In addition, this alteration is predicted to be tolerated by in silico analysis. Since supporting evidence is limited at this time, the clinical significance of this alteration remains unclear.